The following is an entry in ClinVar:

ClinVar aggregate classification (germline): Uncertain significance (1 of 4 stars; one submission).

Conditions:
Hereditary cancer-predisposing syndrome. Also called: Hereditary neoplastic syndrome; Neoplastic Syndromes, Hereditary; Tumor predisposition; Hereditary Cancer Syndrome. Identifiers: Orphanet 140162, MedGen C0027672, MeSH D009386, MONDO:0015356.

Submission:

Ambry Genetics
Classification: Uncertain significance for Hereditary cancer-predisposing syndrome. Last evaluated: 2025-07-18. Review status: criteria provided, single submitter. Criteria: Ambry Variant Classification Scheme 2023. Collection method: clinical testing. Allele origin: germline.
Comment: The p.I491F variant (also known as c.1471A>T), located in coding exon 10 of the PTCH1 gene, results from an A to T substitution at nucleotide position 1471. The isoleucine at codon 491 is replaced by phenylalanine, an amino acid with highly similar properties. This amino acid position is not well conserved in available vertebrate species. In addition, the in silico prediction for this alteration is inconclusive. Based on the available evidence, the clinical significance of this variant remains unclear.

NM_000264.5(PTCH1):c.1471A>T (p.Ile491Phe)

Gene: PTCH1 (patched 1; minus strand). Cytogenetic location: 9q22.32.
Variant type: single nucleotide variant.
Coding change: c.1471A>T on transcript NM_000264.5 (MANE Select); coding-DNA position 1471, A replaced by T.
Protein change: p.Ile491Phe; replaces isoleucine 491 with phenylalanine.
Molecular consequence: missense variant. On other transcripts: non-coding transcript variant (1), intron variant (1).
Genome position (GRCh38, 1-based): chr9:95,477,579, T>A on the plus strand (A>T on the coding strand, the complement: PTCH1 is on the minus strand). VCF-style: chr9-95477579-T-A. GRCh37 (hg19) VCF-style: chr9-98239861-T-A.
Other names: c.1273A>T, p.Ile425Phe (NM_001083602.3); c.1468A>T, p.Ile490Phe (NM_001083603.3); c.1018A>T, p.Ile340Phe (NM_001083604.3, NM_001083605.3, NM_001083606.3 and 1 more transcripts); c.1347+476A>T (NM_001354918.2); short protein forms I425F, I491F, I340F, I490F.
Identifiers: ClinVar variation 4146853 (VCV004146853.1).